The following is an entry in ClinVar:

NM_007294.4(BRCA1):c.5338C>G (p.Leu1780Val)

Gene: BRCA1 (BRCA1 DNA repair associated; minus strand). Cytogenetic location: 17q21.31.
Variant type: single nucleotide variant.
Coding change: c.5338C>G on transcript NM_007294.4 (MANE Select); coding-DNA position 5338, C replaced by G.
Protein change: p.Leu1780Val; replaces leucine 1780 with valine.
Molecular consequence: missense variant. On other transcripts: non-coding transcript variant (1), intron variant (1).
Genome position (GRCh38, 1-based): chr17:43,049,189, G>C on the plus strand (C>G on the coding strand, the complement: BRCA1 is on the minus strand). VCF-style: chr17-43049189-G-C. GRCh37 (hg19) VCF-style: chr17-41201206-G-C.
Other names: c.5125C>G, p.Leu1709Val (NM_001407571.1, NM_001407894.1, NM_001407895.1 and 12 more transcripts); c.5404C>G, p.Leu1802Val (NM_001407581.1, NM_001407582.1); c.5401C>G, p.Leu1801Val (NM_001407583.1, NM_001407585.1, NM_001407587.1 and 1 more transcripts); c.5398C>G, p.Leu1800Val (NM_001407590.1, NM_001407591.1); c.5338C>G, p.Leu1780Val (NM_001407593.1, NM_001407594.1, NM_001407596.1 and 5 more transcripts); c.5335C>G, p.Leu1779Val (NM_001407614.1, NM_001407615.1, NM_001407616.1 and 14 more transcripts); c.5332C>G, p.Leu1778Val (NM_001407633.1, NM_001407634.1, NM_001407635.1 and 13 more transcripts); c.5260C>G, p.Leu1754Val (NM_001407655.1, NM_001407652.1, NM_001407653.1 and 1 more transcripts); and 73 more; short protein forms L1733V, L1801V, L676V, L1780V, L1611V, L1690V, L1713V, L1732V.
Identifiers: ClinVar variation 868022 (VCV000868022.4), dbSNP rs1309977577, ClinGen allele CA10590785.
Genomic context (GRCh38, chr17:43,049,189, plus strand): 5'-GGGTGAATGATGAAAGCTCCTTCACCACAGAAGCACCACACAGCTGTACCATCCATTCCA[G>C]TTGATCTAAAATGGACATTTAGATGTAAAATCACTGCAGTAATCTGCATACTTAACCCAG-3'
Protein context (NP_009225.1, residues 1770-1790): GPFTNMPTDQ[Leu1780Val]EWMVQLCGAS

ClinVar aggregate classification (germline): Uncertain significance (1 of 4 stars; one submission).

Conditions:
Hereditary breast ovarian cancer syndrome. Also called: Hereditary breast and ovarian cancer; Hereditary breast and ovarian cancer syndrome (HBOC); Breast and ovarian cancer; Hereditary breast and/or ovarian cancer syndrome; BRCA1- and BRCA2-Associated Hereditary Breast and Ovarian Cancer; Hereditary breast and ovarian cancer syndrome. Identifiers: Orphanet 145, MedGen C0677776, MeSH D061325, MONDO:0003582. Disease mechanism: loss of function.

Submissions (2):

Labcorp Genetics (formerly Invitae), Labcorp
Classification: Uncertain significance for Hereditary breast ovarian cancer syndrome. Last evaluated: 2025-08-10. Review status: criteria provided, single submitter. Criteria: Invitae Variant Classification Sherloc (09022015). Collection method: clinical testing. Allele origin: germline.
Comment: This sequence change replaces leucine, which is neutral and non-polar, with valine, which is neutral and non-polar, at codon 1780 of the BRCA1 protein (p.Leu1780Val). This variant is not present in population databases (gnomAD no frequency). This variant has not been reported in the literature in individuals affected with BRCA1-related conditions. ClinVar contains an entry for this variant (Variation ID: 868022). Invitae Evidence Modeling of protein sequence and biophysical properties (such as structural, functional, and spatial information, amino acid conservation, physicochemical variation, residue mobility, and thermodynamic stability) indicates that this missense variant is not expected to disrupt BRCA1 protein function with a negative predictive value of 95%. This variant disrupts the p.Leu1780 amino acid residue in BRCA1. Other variant(s) that disrupt this residue have been determined to be pathogenic (PMID: 15117986, 17100994, 22217648, 27124784). This suggests that this residue is clinically significant, and that variants that disrupt this residue are likely to be disease-causing. In summary, the available evidence is currently insufficient to determine the role of this variant in disease. Therefore, it has been classified as a Variant of Uncertain Significance.

Brotman Baty Institute, University of Washington
No classification provided (evidence only). Condition: Breast-ovarian cancer, familial 1. Review status: no classification provided. Collection method: in vitro. Allele origin: not applicable. Functional consequence: functionally_normal. Not counted in ClinVar's aggregate classification.
ClinVar note: "not provided" was previously submitted as the classification for the variant. However, the classification appeared to be based only on an observation of functional data so it was converted to no classification on 2025-07-30.

Literature cited by the submitters: PubMed 15117986 (cited by Labcorp Genetics (formerly Invitae), Labcorp); PubMed 17100994 (cited by Labcorp Genetics (formerly Invitae), Labcorp); PubMed 22217648 (cited by Labcorp Genetics (formerly Invitae), Labcorp); PubMed 27124784 (cited by Labcorp Genetics (formerly Invitae), Labcorp).